The following is an entry in ClinVar:

ClinVar aggregate classification (germline): Uncertain significance. Review status: criteria provided, multiple submitters, no conflicts (2 of 4 stars). 6 submissions from 6 submitters: Uncertain significance (6). Last evaluated 2025-12-28.

Conditions:
Cardiovascular phenotype. Identifiers: MedGen CN230736.
Cardiomyopathy (CMYO). Also called: Cardiomyopathies. Identifiers: Orphanet 167848, MedGen C0878544, MONDO:0004994, HP:0001638. Inheritance: Various modes of inheritance.
Lethal congenital glycogen storage disease of heart. Also called: GLYCOGEN STORAGE DISEASE OF HEART; PHOSPHORYLASE KINASE DEFICIENCY OF HEART. Identifiers: Orphanet 439854, MedGen C1849813, MONDO:0009867, OMIM 261740.
Hypertrophic cardiomyopathy 6. Identifiers: MedGen C1833236, MONDO:0010946, OMIM 600858.
Hypertrophic cardiomyopathy. Also called: HYPERTROPHIC MYOCARDIOPATHY. Identifiers: Orphanet 217569, MedGen C0007194, MeSH D002312, MONDO:0005045, HP:0001639.

Submissions (6):

Labcorp Genetics (formerly Invitae), Labcorp
Classification: Uncertain significance for Lethal congenital glycogen storage disease of heart. Last evaluated: 2025-12-28. Review status: criteria provided, single submitter. Criteria: Invitae Variant Classification Sherloc (09022015). Collection method: clinical testing. Allele origin: germline.
Comment: This sequence change creates a premature translational stop signal (p.Asp199Glyfs*74) in the PRKAG2 gene. It is expected to result in an absent or disrupted protein product. However, the current clinical and genetic evidence is not sufficient to establish whether loss-of-function variants in PRKAG2 cause disease. The frequency data for this variant in the population databases is considered unreliable, as metrics indicate poor data quality at this position in the gnomAD database. This premature translational stop signal has been observed in individual(s) with hypertrophic cardiomyopathy (PMID: 27532257). ClinVar contains an entry for this variant (Variation ID: 45725). In summary, the available evidence is currently insufficient to determine the role of this variant in disease. Therefore, it has been classified as a Variant of Uncertain Significance.

Color Diagnostics, LLC DBA Color Health
Classification: Uncertain significance for Cardiomyopathy. Last evaluated: 2025-08-27. Review status: criteria provided, single submitter. Criteria: ACMG Guidelines, 2015. Collection method: clinical testing. Allele origin: germline.
Comment: This variant inserts 1 nucleotide in exon 4 of the PRKAG2 gene, creating a frameshift and premature translation stop signal. This variant is expected to result in an absent protein product. This variant has been reported in an individual affected with hypertrophic cardiomyopathy (PMID: 27532257). This variant has been identified in 6/282326 chromosomes in the general population by the Genome Aggregation Database (gnomAD). Clinical relevance of loss-of-function truncation and splice variants in the PRKAG2 gene is not clearly established. The available evidence is insufficient to determine the role of this variant in disease conclusively. Therefore, this variant is classified as a Variant of Uncertain Significance.

Regional Center For Medical Genetics Timis, Louis Turcanu Emergency Hospital for Children Timisoara
Classification: Uncertain significance for Hypertrophic cardiomyopathy 6. Last evaluated: 2025-07-21. Review status: criteria provided, single submitter. Criteria: ACMG Guidelines, 2015. Collection method: clinical testing. Allele origin: germline. Affected: yes.
Comment: The variant is present in the presumed healthy population at a very low frequency in heterozygous state (gnomAD v4.1.0, allele frequency = 0.000009293), with the highest frequency observed in the European population. The variant introduces a premature stop codon in the canonical transcript (MANE), located in exon 4. However, expression of this transcript is relatively low in muscle tissue (GTEx). Haploinsufficiency is not currently recognized as a disease mechanism for PRKAG2. Recently, biallelic truncating PRKAG2 variants have been reported in association with neonatal cardiomyopathy with recessive inheritance (PMID: 37013823). This variant has also been described in an individual with hypertrophic cardiomyopathy (PMID: 27532257). The variant is present in ClinVar, reported with uncertain significance (Variation ID: 45725). Based on the available evidence, this variant is classified as of uncertain significance (VUS).

GeneDx
Classification: Uncertain significance. Last evaluated: 2024-04-12. Review status: criteria provided, single submitter. Criteria: GeneDx Variant Classification Process June 2021. Collection method: clinical testing. Allele origin: germline. Affected: yes.
Comment: Has been reported as c.593_594insC (using alternate nomenclature) in an individual with HCM (PMID: 27532257); Not observed at significant frequency in large population cohorts (gnomAD); Frameshift variant predicted to result in protein truncation or nonsense mediated decay in a gene for which loss-of-function is not a known mechanism of disease; This variant is associated with the following publications: (PMID: 27532257)

Ambry Genetics
Classification: Uncertain significance for Cardiovascular phenotype. Last evaluated: 2023-08-24. Review status: criteria provided, single submitter. Criteria: Ambry General Variant Classification Scheme_2022. Collection method: clinical testing. Allele origin: germline.
Comment: The c.593dupC variant, located in coding exon 4 of the PRKAG2 gene, results from a duplication of C at nucleotide position 593, causing a translational frameshift with a predicted alternate stop codon (p.D199Gfs*74). This variant has been detected in an individual referred for hypertrophic cardiomyopathy genetic testing, and has also been detected in a sudden death case with cardiomyopathy on autopsy; however, details were limited (Walsh R et al. Genet Med, 2017 Feb;19:192-203; Vot&yacute;pka P et al. Int J Legal Med, 2023 May). This alteration is expected to result in protein truncation or nonsense-mediated mRNA decay. However, loss of function of PRKAG2 has not been established as a mechanism of disease. Since supporting evidence is limited at this time, the clinical significance of this alteration remains unclear.

Laboratory for Molecular Medicine, Mass General Brigham Personalized Medicine
Classification: Uncertain significance for Hypertrophic cardiomyopathy. Last evaluated: 2022-08-26. Review status: criteria provided, single submitter. Criteria: ACMG Guidelines, 2015. Collection method: clinical testing. Allele origin: germline.
Comment: Disclaimer: This variant has not undergone full assessment. The following are preliminary notes: ACMG/AMP criteria applied: none

Literature cited by the submitters: PubMed 27532257 (cited by 4 submitters); PubMed 37013823 (cited by Regional Center For Medical Genetics Timis, Louis Turcanu Emergency Hospital for Children Timisoara); PubMed 37178278 (cited by Ambry Genetics).

NM_016203.4(PRKAG2):c.593dup (p.Asp199fs)

Gene: PRKAG2 (protein kinase AMP-activated non-catalytic subunit gamma 2; minus strand). Cytogenetic location: 7q36.1.
Variant type: Duplication.
Coding change: c.593dup on transcript NM_016203.4 (MANE Select); coding-DNA position 593, one base duplicated (C; older notation c.593dupC).
Protein change: p.Asp199fs; shifts the reading frame from aspartic acid 199.
Molecular consequence: frameshift variant.
Genome position (GRCh38, 1-based): chr7:151,675,511, G duplicated on the plus strand (C on the coding strand, the reverse complement: PRKAG2 is on the minus strand); the first of 7 consecutive G bases (chr7:151,675,511-151,675,517); duplicating any one gives the same sequence. VCF-style (leftmost placement, unchanged base first): chr7-151675510-C-CG. GRCh37 (hg19) VCF-style: chr7-151372596-C-CG.
Other names: p.Asp199GlyfsX74; c.461dup, p.Asp155fs (NM_001040633.2); c.221dup, p.Asp75fs (NM_001304527.2, NM_001363698.2); c.593dupC (NM_016203.3); c.593dup (NM_016203.3); short protein forms D155fs, D199fs, D75fs.
Identifiers: ClinVar variation 45725 (VCV000045725.25), dbSNP rs397517275, ClinGen allele CA014392.